The following is an entry in ClinVar:

NM_007194.4(CHEK2):c.1241G>C (p.Gly414Ala)

Gene: CHEK2 (checkpoint kinase 2; minus strand). Cytogenetic location: 22q12.1.
Variant type: single nucleotide variant.
Coding change: c.1241G>C on transcript NM_007194.4 (MANE Select); coding-DNA position 1241, G replaced by C.
Protein change: p.Gly414Ala; replaces glycine 414 with alanine.
Molecular consequence: missense variant.
Genome position (GRCh38, 1-based): chr22:28,695,728, C>G on the plus strand (G>C on the coding strand, the complement: CHEK2 is on the minus strand). VCF-style: chr22-28695728-C-G. GRCh37 (hg19) VCF-style: chr22-29091716-C-G.
Other names: c.1370G>C, p.Gly457Ala (NM_001005735.3); c.578G>C, p.Gly193Ala (NM_001257387.3); c.1040G>C, p.Gly347Ala (NM_001349956.3); c.1154G>C, p.Gly385Ala (NM_145862.3); short protein forms G193A, G414A, G385A, G457A, G347A.
Identifiers: ClinVar variation 2708439 (VCV002708439.3), dbSNP rs1601721915, ClinGen allele CA411096591.

ClinVar aggregate classification (germline): Uncertain significance (1 of 4 stars; one submission).

Conditions:
Familial cancer of breast. Also called: hereditary breast carcinoma; Hereditary breast cancer; BREAST CANCER, FAMILIAL. Identifiers: Orphanet 227535, MedGen C0346153, MONDO:0016419, OMIM 114480. Disease mechanism: loss of function.

Submission:

Labcorp Genetics (formerly Invitae), Labcorp
Classification: Uncertain significance for Familial cancer of breast. Last evaluated: 2025-11-09. Review status: criteria provided, single submitter. Criteria: Invitae Variant Classification Sherloc (09022015). Collection method: clinical testing. Allele origin: germline.
Comment: This sequence change replaces glycine, which is neutral and non-polar, with alanine, which is neutral and non-polar, at codon 414 of the CHEK2 protein (p.Gly414Ala). This variant is not present in population databases (gnomAD no frequency). This variant has not been reported in the literature in individuals affected with CHEK2-related conditions. ClinVar contains an entry for this variant (Variation ID: 2708439). An algorithm developed to predict the effect of missense changes on protein structure and function (PolyPhen-2) suggests that this variant is likely to be disruptive. In summary, the available evidence is currently insufficient to determine the role of this variant in disease. Therefore, it has been classified as a Variant of Uncertain Significance.